The following is an entry in ClinVar:

NM_001353921.2(ARHGEF9):c.421C>T (p.Arg141Trp)

Gene: ARHGEF9 (Cdc42 guanine nucleotide exchange factor 9; minus strand). Cytogenetic location: Xq11.1.
Variant type: single nucleotide variant.
Coding change: c.421C>T on transcript NM_001353921.2 (MANE Select); coding-DNA position 421, C replaced by T.
Protein change: p.Arg141Trp; replaces arginine 141 with tryptophan.
Molecular consequence: missense variant. On other transcripts: 5 prime UTR variant (1).
Genome position (GRCh38, 1-based): chrX:63,697,286, G>A on the plus strand (C>T on the coding strand, the complement: ARHGEF9 is on the minus strand). VCF-style: chrX-63697286-G-A. GRCh37 (hg19) VCF-style: chrX-62917166-G-A.
Other names: c.241C>T, p.Arg81Trp (NM_001173479.2); c.94C>T, p.Arg32Trp (NM_001173480.2, NM_001369042.1); c.337C>T, p.Arg113Trp (NM_001330495.2, NM_001353927.2, NM_001369033.1 and 8 more transcripts); c.421C>T, p.Arg141Trp (NM_001353922.2); c.439C>T, p.Arg147Trp (NM_001353923.1); c.220C>T, p.Arg74Trp (NM_001353924.2, NM_001353926.2, NM_001369039.1 and 1 more transcripts); c.400C>T, p.Arg134Trp (NM_001353928.2, NM_001369030.1, NM_001369031.1 and 2 more transcripts); c.-15C>T (NM_001369045.1); short protein forms R147W, R141W, R32W, R113W, R134W, R74W, R81W.
Identifiers: ClinVar variation 844378 (VCV000844378.14), dbSNP rs782001294, ClinGen allele CA10431943.

ClinVar aggregate classification (germline): Uncertain significance. Review status: criteria provided, multiple submitters, no conflicts (2 of 4 stars). 5 submissions from 5 submitters: Uncertain significance (5). Last evaluated 2025-02-06.

Conditions:
Microcephaly. Also called: Microcephaly (disease). Identifiers: MedGen C4551563, MONDO:0001149, HP:0000252.
Inborn genetic diseases. Identifiers: MedGen C0950123, MeSH D030342.
Developmental and epileptic encephalopathy, 8 (DEE8). Also called: HYPEREKPLEXIA AND EPILEPSY. Identifiers: Orphanet 163985, Orphanet 2076, MedGen C1845102, MONDO:0010375, OMIM 300607.

Allele frequency attached by ClinVar (database versions not stated): gnomAD exomes below 0.00001; TOPMed below 0.00001; ExAC 0.00001; gnomAD 0.00001.

Submissions (5):

Ambry Genetics
Classification: Uncertain significance for Inborn genetic diseases. Last evaluated: 2025-02-06. Review status: criteria provided, single submitter. Criteria: Ambry Variant Classification Scheme 2023. Collection method: clinical testing. Allele origin: germline.

GeneDx
Classification: Uncertain significance. Last evaluated: 2024-10-14. Review status: criteria provided, single submitter. Criteria: GeneDx Variant Classification Process June 2021. Collection method: clinical testing. Allele origin: germline. Affected: yes.
Comment: Not observed at significant frequency in large population cohorts (gnomAD); In silico analysis supports that this missense variant has a deleterious effect on protein structure/function; Has not been previously published as pathogenic or benign to our knowledge

Labcorp Genetics (formerly Invitae), Labcorp
Classification: Uncertain significance for Developmental and epileptic encephalopathy, 8. Last evaluated: 2023-01-16. Review status: criteria provided, single submitter. Criteria: Invitae Variant Classification Sherloc (09022015). Collection method: clinical testing. Allele origin: germline.
Comment: This sequence change replaces arginine, which is basic and polar, with tryptophan, which is neutral and slightly polar, at codon 134 of the ARHGEF9 protein (p.Arg134Trp). This variant is not present in population databases (gnomAD no frequency). This variant has not been reported in the literature in individuals affected with ARHGEF9-related conditions. ClinVar contains an entry for this variant (Variation ID: 844378). Algorithms developed to predict the effect of missense changes on protein structure and function (SIFT, PolyPhen-2, Align-GVGD) all suggest that this variant is likely to be disruptive. In summary, the available evidence is currently insufficient to determine the role of this variant in disease. Therefore, it has been classified as a Variant of Uncertain Significance.

New York Genome Center
Classification: Uncertain significance for Developmental and epileptic encephalopathy, 8. Last evaluated: 2020-07-03. Review status: criteria provided, single submitter. Criteria: NYGC Assertion Criteria 2020. Collection method: clinical testing. Allele origin: inherited. Observed: 1 heterozygote. Study: CSER-NYCKidSeq.
Comment: The inherited c.421C>T (p.Arg141Trp) variant identified in the ARHGEF9 gene substitutes a well conserved Arginine for Tryptophan at amino acid 141/524 (coding exon 4/10). This variant is found with low frequency in gnomAD (1 heterozygote; 0 homozygotes; allele frequency: 9.50e-6) suggesting it is not a common benign variant in the populations represented in that database. In silico algorithms predict this variant to be Deleterious (Provean; score:-6.86) and Damaging (SIFT; score: 0) to the function of the canonical transcript. This variant is reported as a Variant of Uncertain Significance in ClinVar (VarID:844378) and to our current knowledge has not been reported in affected individuals in the literature. The p.Arg141 residue is within the DH/RhoGEF domain of ARHGEF9, where other missense variants have been reported in affected individuals [PMID:29130122; PMID:30048823]. Given the lack of compelling evidence for its pathogenicity, the inherited c.421C>T (p.Arg141Trp) variant identified in the ARHGEF9 gene is reported as a Variant of Uncertain Significance.

Cambridge Genomics Laboratory, East Genomic Laboratory Hub, NHS Genomic Medicine Service
Classification: Uncertain significance for Microcephaly. Last evaluated: 2020-04-28. Review status: criteria provided, single submitter. Criteria: ACGS Best Practice Guidelines for Variant Classification in Rare Disease 2020. Collection method: clinical testing. Allele origin: germline. Affected: yes. Observed: 1 variant allele.